The following is an entry in ClinVar:

NM_006231.4(POLE):c.1588_1594del (p.Asp530fs)

Gene: POLE (DNA polymerase epsilon, catalytic subunit; minus strand). Cytogenetic location: 12q24.33.
Variant type: Microsatellite.
Coding change: c.1588_1594del on transcript NM_006231.4 (MANE Select); coding-DNA positions 1588 to 1594, 7 bases deleted (GACGGAC; older notation c.1588_1594delGACGGAC).
Protein change: p.Asp530fs; shifts the reading frame from aspartic acid 530.
Molecular consequence: frameshift variant.
Genome position (GRCh38, 1-based): chr12:132,672,719-132,672,725, GTCCGTC deleted on the plus strand (GACGGAC on the coding strand, the reverse complement: POLE is on the minus strand); deleting any 7 consecutive bases within chr12:132,672,719-132,672,732 gives the same sequence; the c. name uses the placement nearest the transcript's 3' end. VCF-style (leftmost placement, unchanged base first): chr12-132672718-TGTCCGTC-T. GRCh37 (hg19) VCF-style: chr12-133249304-TGTCCGTC-T.
Other names: c.1588_1594delGACGGAC (NM_006231.2, NM_006231.3); short protein forms D530fs.
Identifiers: ClinVar variation 473470 (VCV000473470.9), dbSNP rs1555228293, ClinGen allele CA658658218.
Genomic context (GRCh38, chr12:132,672,718, plus strand): 5'-AAAACCCCAGACTCGAGGGCCTCCACGTGGCCCCCGACGTAGGTCTCAGAGTCCAGCACG[TGTCCGTC>T]GTCCGTCAGCTTATTGAACTCCTGCTCTTGCTTGTTGGGGAAGATGATGTTGGCGTGGAA-3'

ClinVar aggregate classification (germline): Conflicting classifications of pathogenicity. Review status: criteria provided, conflicting classifications (1 of 4 stars). 2 submissions from 2 submitters: Pathogenic (1); Uncertain significance (1). Last evaluated 2026-01-23.

Conditions:
Hereditary cancer-predisposing syndrome. Also called: Neoplastic Syndromes, Hereditary; Tumor predisposition; Hereditary neoplastic syndrome; Hereditary Cancer Syndrome. Identifiers: Orphanet 140162, MedGen C0027672, MeSH D009386, MONDO:0015356.

Submissions (2):

Ambry Genetics
Classification: Uncertain significance for Hereditary cancer-predisposing syndrome. Last evaluated: 2026-01-23. Review status: criteria provided, single submitter. Criteria: Ambry Variant Classification Scheme 2023. Collection method: clinical testing. Allele origin: germline.
Comment: The c.1588_1594delGACGGAC variant, located in coding exon 15 of the POLE gene, results from a deletion of 7 nucleotides at nucleotide positions 1588 to 1594, causing a translational frameshift with a predicted alternate stop codon (p.D530Tfs*31). This alteration is expected to result in loss of function by premature protein truncation or nonsense-mediated mRNA decay. Although biallelic loss of function of POLE has been associated with autosomal recessive POLE deficiency, haploinsufficiency of POLE has not been established as a mechanism of disease for POLE-related polymerase proofreading-associated polyposis (PPAP) and POLE-related CMMRD-like syndrome. Based on the supporting evidence, this variant is expected to be causative of POLE deficiency when present along with a second pathogenic variant on the other allele; however, its clinical significance for PPAP and POLE-related CMMRD-like syndrome is unclear.

Labcorp Genetics (formerly Invitae), Labcorp
Classification: Pathogenic. Last evaluated: 2022-05-27. Review status: criteria provided, single submitter. Criteria: Invitae Variant Classification Sherloc (09022015). Collection method: clinical testing. Allele origin: germline.
Comment: This variant has not been reported in the literature in individuals affected with POLE-related conditions. This variant is not present in population databases (gnomAD no frequency). This sequence change creates a premature translational stop signal (p.Asp530Thrfs*31) in the POLE gene. It is expected to result in an absent or disrupted protein product. Loss-of-function variants in POLE are known to be pathogenic (PMID: 23230001, 25948378, 30503519). For these reasons, this variant has been classified as Pathogenic. ClinVar contains an entry for this variant (Variation ID: 473470).

Literature cited by the submitters: PubMed 23230001 (cited by Labcorp Genetics (formerly Invitae), Labcorp); PubMed 25948378 (cited by Labcorp Genetics (formerly Invitae), Labcorp); PubMed 30503519 (cited by Labcorp Genetics (formerly Invitae), Labcorp).